The following is an entry in ClinVar:

NM_000059.4(BRCA2):c.8262T>G (p.His2754Gln)

Gene: BRCA2 (BRCA2 DNA repair associated; plus strand). Cytogenetic location: 13q13.1.
Variant type: single nucleotide variant.
Coding change: c.8262T>G on transcript NM_000059.4 (MANE Select); coding-DNA position 8262, T replaced by G.
Protein change: p.His2754Gln; replaces histidine 2754 with glutamine.
Molecular consequence: missense variant.
Genome position (GRCh38, 1-based): chr13:32,363,464, T>G. VCF-style: chr13-32363464-T-G. GRCh37 (hg19) VCF-style: chr13-32937601-T-G.
Other names: 8490T>G; short protein forms H2754Q.
Identifiers: ClinVar variation 156176 (VCV000156176.29), dbSNP rs587776472, ClinGen allele CA025545.

ClinVar aggregate classification (germline): Conflicting classifications of pathogenicity. Review status: criteria provided, conflicting classifications (1 of 4 stars). 12 submissions from 12 submitters: Uncertain significance (7); Likely benign (2). 3 of the submissions do not count toward it. Last evaluated 2026-01-21.

Conditions:
BRCA2-related cancer predisposition. Identifiers: MedGen CN377758, MONDO:0700269.
Hereditary cancer-predisposing syndrome. Also called: Tumor predisposition; Hereditary Cancer Syndrome; Hereditary neoplastic syndrome; Neoplastic Syndromes, Hereditary. Identifiers: Orphanet 140162, MedGen C0027672, MeSH D009386, MONDO:0015356.
Hereditary breast ovarian cancer syndrome. Also called: Hereditary breast and ovarian cancer syndrome (HBOC); Breast and ovarian cancer; Hereditary breast and ovarian cancer; Hereditary breast and ovarian cancer syndrome; BRCA1- and BRCA2-Associated Hereditary Breast and Ovarian Cancer; Hereditary breast and/or ovarian cancer syndrome. Identifiers: Orphanet 145, MedGen C0677776, MeSH D061325, MONDO:0003582. Disease mechanism: loss of function.
Breast-ovarian cancer, familial, susceptibility to, 2 (BROVCA2). Also called: BRCA2 Hereditary Breast and Ovarian Cancer. Identifiers: Orphanet 145, MedGen C2675520, MONDO:0012933, OMIM 612555. Disease mechanism: loss of function.
Familial cancer of breast. Also called: BREAST CANCER, FAMILIAL; hereditary breast carcinoma; Hereditary breast cancer. Identifiers: Orphanet 227535, MedGen C0346153, MONDO:0016419, OMIM 114480. Disease mechanism: loss of function.

Allele frequency attached by ClinVar (database versions not stated): gnomAD exomes below 0.00001; gnomAD 0.00001; TOPMed 0.00001.
gnomAD v4.1: 3 of 1,614,036 alleles (0.00019%); highest among the groups gnomAD compares: Non-Finnish European, 0.00025%; no homozygotes.

Submissions (12):

Myriad Genetics, Inc.
Classification: Likely benign for Breast-ovarian cancer, familial, susceptibility to, 2. Last evaluated: 2026-01-21. Review status: criteria provided, single submitter. Criteria: Myriad Autosomal Dominant, Autosomal Recessive and X-Linked Classification Criteria (2023). Collection method: clinical testing. Allele origin: unknown.
Comment: This variant is considered likely benign. This variant is strongly associated with less severe personal and family histories of cancer, typical for individuals without pathogenic variants in this gene [PMID: 25085752].

Ambry Genetics
Classification: Likely benign for Hereditary cancer-predisposing syndrome. Last evaluated: 2025-04-14. Review status: criteria provided, single submitter. Criteria: Ambry Variant Classification Scheme 2023. Collection method: clinical testing. Allele origin: germline.

Labcorp Genetics (formerly Invitae), Labcorp
Classification: Uncertain significance for Hereditary breast ovarian cancer syndrome. Last evaluated: 2024-09-01. Review status: criteria provided, single submitter. Criteria: Invitae Variant Classification Sherloc (09022015). Collection method: clinical testing. Allele origin: germline.
Comment: This sequence change replaces histidine, which is basic and polar, with glutamine, which is neutral and polar, at codon 2754 of the BRCA2 protein (p.His2754Gln). This variant is not present in population databases (gnomAD no frequency). This missense change has been observed in individual(s) with breast cancer and/or ovarian cancer (PMID: 30254663, 32380732). ClinVar contains an entry for this variant (Variation ID: 156176). Invitae Evidence Modeling of protein sequence and biophysical properties (such as structural, functional, and spatial information, amino acid conservation, physicochemical variation, residue mobility, and thermodynamic stability) indicates that this missense variant is not expected to disrupt BRCA2 protein function with a negative predictive value of 95%. In summary, the available evidence is currently insufficient to determine the role of this variant in disease. Therefore, it has been classified as a Variant of Uncertain Significance.

All of Us Research Program, National Institutes of Health
Classification: Uncertain significance for BRCA2-related cancer predisposition. Last evaluated: 2024-06-11. Review status: criteria provided, single submitter. Criteria: ACMG Guidelines, 2015. Collection method: clinical testing. Allele origin: germline. Inheritance: Autosomal dominant inheritance. Observed: 3 variant alleles, 3 heterozygotes.
Comment: This missense variant replaces histidine with glutamine at codon 2754 of the BRCA2 protein. Computational prediction is inconclusive regarding the impact of this variant on protein structure and function (internally defined REVEL score threshold 0.5 < inconclusive < 0.7, PMID: 27666373). To our knowledge, functional studies have not been reported for this variant. This variant has been reported in at leas three individuals affected with breast or ovarian cancer (PMID: 30254663, 32380732, 32438681, 34178674). One of these individuals also carried a pathogenic variant in the BRCA1 gene that could explain the observed phenotype (PMID: 32438681). This variant has not been identified in the general population by the Genome Aggregation Database (gnomAD). The available evidence is insufficient to determine the role of this variant in disease conclusively. Therefore, this variant is classified as a Variant of Uncertain Significance.

This study involves interpretation of variants in research participants for the purpose of population health screening. Participant phenotype was not available at the time of variant classification. Additional details can be found in publication PMID: 35346344, PMCID: PMC8962531

Quest Diagnostics Nichols Institute San Juan Capistrano
Classification: Uncertain significance. Last evaluated: 2024-05-17. Review status: criteria provided, single submitter. Criteria: Quest Diagnostics criteria. Collection method: clinical testing. Allele origin: unknown.
Comment: The BRCA2 c.8262T>G (p.His2754Gln) variant has been reported in the published literature in individuals with breast and/or ovarian cancer (PMID: 34178674 (2021), 32380732 (2020)) and an individual undergoing BRCA1/2 testing (PMID: 30254663 (2018)). Additionally, this variant has been reported in an individual with ovarian cancer also carrying a pathogenic BRCA1 variant (PMID: 32438681 (2020)). The frequency of this variant in the general population, 0.0000066 (1/152192 chromosomes (Genome Aggregation Database)), is uninformative in the assessment of its pathogenicity. Analysis of this variant using bioinformatics tools for the prediction of the effect of amino acid changes on protein structure and function yielded conflicting predictions that this variant is benign or damaging. Based on the available information, we are unable to determine the clinical significance of this variant.

Baylor Genetics
Classification: Uncertain significance for Familial cancer of breast. Last evaluated: 2024-02-18. Review status: criteria provided, single submitter. Criteria: ACMG Guidelines, 2015. Collection method: clinical testing. Allele origin: unknown.

Color Diagnostics, LLC DBA Color Health
Classification: Uncertain significance for Hereditary cancer-predisposing syndrome. Last evaluated: 2023-06-23. Review status: criteria provided, single submitter. Criteria: ACMG Guidelines, 2015. Collection method: clinical testing. Allele origin: germline.
Comment: This missense variant replaces histidine with glutamine at codon 2754 of the BRCA2 protein. Computational prediction is inconclusive regarding the impact of this variant on protein structure and function (internally defined REVEL score threshold 0.5 < inconclusive < 0.7, PMID: 27666373). To our knowledge, functional studies have not been reported for this variant. This variant has been reported in at leas three individuals affected with breast or ovarian cancer (PMID: 30254663, 32380732, 32438681, 34178674). One of these individuals also carried a pathogenic variant in the BRCA1 gene that could explain the observed phenotype (PMID: 32438681). This variant has not been identified in the general population by the Genome Aggregation Database (gnomAD). The available evidence is insufficient to determine the role of this variant in disease conclusively. Therefore, this variant is classified as a Variant of Uncertain Significance.

Women's Health and Genetics/Laboratory Corporation of America, LabCorp
Classification: Uncertain significance. Last evaluated: 2022-01-03. Review status: criteria provided, single submitter. Criteria: LabCorp Variant Classification Summary - May 2015. Collection method: clinical testing. Allele origin: germline.
Comment: Variant summary: BRCA2 c.8262T>G (p.His2754Gln) results in a non-conservative amino acid change located in the BRCA2, OB1 domain (IPR015187) of the encoded protein sequence. Three of four in-silico tools predict a damaging effect of the variant on protein function. The variant was absent in 248786 control chromosomes (gnomAD). The available data on variant occurrences in the general population are insufficient to allow any conclusion about variant significance. c.8262T>G has been reported in the literature in individuals affected with Hereditary Breast And Ovarian Cancer Syndrome without evidence for causaility (examples: Zuntini_2018, Santonocito_2020, Incorvaia_2020, and Fanale_2021). These reports do not provide unequivocal conclusions about association of the variant with Hereditary Breast And Ovarian Cancer Syndrome. At least one co-occurrence with another pathogenic variant has been reported (BRCA1 c.5266ddupC, p.gln1756ProfsTer74), providing supporting evidence for a benign role (Santonocito_2020). To our knowledge, no experimental evidence demonstrating an impact on protein function has been reported. Five clinical diagnostic laboratories have submitted clinical-significance assessments for this variant to ClinVar after 2014 and all laboratories classified the variant as uncertain significance. Based on the evidence outlined above, the variant was classified as uncertain significance.

GeneDx
Classification: Uncertain significance. Last evaluated: 2016-08-08. Review status: criteria provided, single submitter. Criteria: GeneDx Variant Classification (06012015). Collection method: clinical testing. Allele origin: germline. Affected: yes.
Comment: This variant is denoted BRCA2 c.8262T>G at the cDNA level, p.His2754Gln (H2754Q) at the protein level, and results in the change of a Histidine to a Glutamine (CAT>CAG). Using alternate nomenclature, this variant would be defined as BRCA2 8490T>G. This variant has not, to our knowledge, been published in the literature as pathogenic or benign. BRCA2 His2754Gln was not observed in approximately 6,500 individuals of European and African American ancestry in the NHLBI Exome Sequencing Project, suggesting it is not a common benign variant in these populations. Since Histidine and Glutamine differ in some properties, this is considered a semi-conservative amino acid substitution. BRCA2 His2754Gln occurs at a position that is not conserved and is located in the DNA binding domain (Yang 2002). In silico analyses are inconsistent regarding the effect this variant may have on protein structure and function. Based on currently available evidence, it is unclear whether BRCA2 His2754Gln is a pathogenic or benign variant. We consider it to be a variant of uncertain significance.

Department of Medical and Surgical Sciences, University of Bologna
Classification: Uncertain significance for Breast-ovarian cancer, familial, susceptibility to, 2. Last evaluated: 2023-09-01. Review status: no assertion criteria provided. Collection method: clinical testing. Allele origin: germline. Affected: yes. Not counted in ClinVar's aggregate classification.
Comment: PM2(Supporting) according to ACMG/AMP classification guidelines specified for BRCA1 & BRCA2 (Classification Criteria V1.0.0 2023-09-08) (PMID: 38160042)

Counsyl
Classification: Uncertain significance for Breast-ovarian cancer, familial, susceptibility to, 2. Last evaluated: 2016-10-31. Review status: no assertion criteria provided. Collection method: clinical testing. Allele origin: unknown. Not counted in ClinVar's aggregate classification.

Sharing Clinical Reports Project (SCRP)
Classification: Uncertain significance for Breast-ovarian cancer, familial 2. Last evaluated: 2011-03-01. Review status: no assertion criteria provided. Collection method: clinical testing. Allele origin: germline. Not counted in ClinVar's aggregate classification.

Literature cited by the submitters: PubMed 25085752 (cited by Myriad Genetics, Inc.); PubMed 30254663 (cited by 6 submitters); PubMed 32380732 (cited by 6 submitters); PubMed 32438681 (cited by 5 submitters); PubMed 34178674 (cited by 5 submitters).